The following is an entry in ClinVar:

ClinVar aggregate classification (germline): Uncertain significance (1 of 4 stars; one submission).

Allele frequency attached by ClinVar (database versions not stated): TOPMed below 0.00001.

Submission:

GeneDx
Classification: Uncertain significance. Last evaluated: 2018-11-05. Review status: criteria provided, single submitter. Criteria: GeneDx Variant Classification Process June 2021. Collection method: clinical testing. Allele origin: germline. Affected: yes.
Comment: Not observed in large population cohorts (Lek et al., 2016); In silico analysis, which includes protein predictors and evolutionary conservation, supports a deleterious effect; Has not been previously published as pathogenic or benign to our knowledge

NM_181458.4(PAX3):c.287T>C (p.Ile96Thr)

Gene: PAX3 (paired box 3; minus strand). Cytogenetic location: 2q36.1.
Variant type: single nucleotide variant.
Coding change: c.287T>C on transcript NM_181458.4 (MANE Select); coding-DNA position 287, T replaced by C.
Protein change: p.Ile96Thr; replaces isoleucine 96 with threonine.
Molecular consequence: missense variant.
Genome position (GRCh38, 1-based): chr2:222,297,012, A>G on the plus strand (T>C on the coding strand, the complement: PAX3 is on the minus strand). VCF-style: chr2-222297012-A-G. GRCh37 (hg19) VCF-style: chr2-223161731-A-G.
Other names: c.287T>C, p.Ile96Thr (NM_000438.6, NM_001127366.3, NM_013942.5 and 4 more transcripts); short protein forms I96T.
Identifiers: ClinVar variation 1304247 (VCV001304247.2), dbSNP rs1695336314, ClinGen allele CA351113416.